The following is an entry in ClinVar:

NM_000440.3(PDE6A):c.1729-4C>T

Gene: PDE6A (phosphodiesterase 6A; minus strand). Cytogenetic location: 5q32.
Variant type: single nucleotide variant.
Coding change: c.1729-4C>T on transcript NM_000440.3 (MANE Select); 4 bases into the intron before coding-DNA position 1729, C replaced by T.
Molecular consequence: intron variant.
Genome position (GRCh38, 1-based): chr5:149,886,378, G>A on the plus strand (C>T on the coding strand, the complement: PDE6A is on the minus strand). VCF-style: chr5-149886378-G-A. GRCh37 (hg19) VCF-style: chr5-149265941-G-A.
Identifiers: ClinVar variation 351987 (VCV000351987.13), dbSNP rs555052906, ClinGen allele CA10623421.

ClinVar aggregate classification (germline): Conflicting classifications of pathogenicity. Review status: criteria provided, conflicting classifications (1 of 4 stars). 3 submissions from 3 submitters: Uncertain significance (1); Likely benign (2). Last evaluated 2025-04-19.

Conditions:
Retinitis pigmentosa (RP). Identifiers: Orphanet 791, MedGen C0035334, MeSH D012174, MONDO:0019200, OMIM 268000. Inheritance: Autosomal dominant, autosomal recessive and X linked inheritance.
PDE6A-related disorder. Also called: PDE6A-related condition.

Allele frequency attached by ClinVar (database versions not stated): TOPMed 0.00003; gnomAD 0.00001; gnomAD exomes 0.00001.
gnomAD v4.1: 14 of 1,609,228 alleles (0.00087%); highest among the groups gnomAD compares: Admixed American, 0.0017%; no homozygotes.

Submissions (3):

Labcorp Genetics (formerly Invitae), Labcorp
Classification: Likely benign. Last evaluated: 2025-04-19. Review status: criteria provided, single submitter. Criteria: Invitae Variant Classification Sherloc (09022015). Collection method: clinical testing. Allele origin: germline.

PreventionGenetics, part of Exact Sciences
Classification: Likely benign for PDE6A-related condition. Last evaluated: 2024-12-16. Review status: criteria provided, single submitter. Criteria: ACMG Guidelines, 2015. Collection method: clinical testing. Allele origin: germline.
Comment: This variant is classified as likely benign based on ACMG/AMP sequence variant interpretation guidelines (Richards et al. 2015 PMID: 25741868, with internal and published modifications).

Illumina Laboratory Services, Illumina
Classification: Uncertain significance for Retinitis pigmentosa. Last evaluated: 2018-01-13. Review status: criteria provided, single submitter. Criteria: ICSL Variant Classification Criteria 13 December 2019. Collection method: clinical testing. Allele origin: germline.